The following is an entry in ClinVar:

ClinVar aggregate classification (germline): Uncertain significance (1 of 4 stars; one submission).

Conditions:
Atypical glycine encephalopathy. Also called: Glycine encephalopathy with normal serum glycine. Identifiers: Orphanet 289863, MedGen C4310943, MONDO:0015010, OMIM 617301.

Allele frequency attached by ClinVar (database versions not stated): ExAC 0.00001; gnomAD 0.00001; gnomAD exomes 0.00001.

Submission:

Labcorp Genetics (formerly Invitae), Labcorp
Classification: Uncertain significance for Atypical glycine encephalopathy. Last evaluated: 2024-10-25. Review status: criteria provided, single submitter. Criteria: Invitae Variant Classification Sherloc (09022015). Collection method: clinical testing. Allele origin: germline.
Comment: This sequence change replaces arginine, which is basic and polar, with glycine, which is neutral and non-polar, at codon 14 of the SLC6A9 protein (p.Arg14Gly). The frequency data for this variant in the population databases is considered unreliable, as metrics indicate poor data quality at this position in the gnomAD database. This variant has not been reported in the literature in individuals affected with SLC6A9-related conditions. ClinVar contains an entry for this variant (Variation ID: 2161677). An algorithm developed to predict the effect of missense changes on protein structure and function outputs the following: PolyPhen-2: "Benign". The glycine amino acid residue is found in multiple mammalian species, which suggests that this missense change does not adversely affect protein function. In summary, the available evidence is currently insufficient to determine the role of this variant in disease. Therefore, it has been classified as a Variant of Uncertain Significance.

NM_001024845.3(SLC6A9):c.31-6212A>G

Gene: SLC6A9 (solute carrier family 6 member 9; minus strand). Cytogenetic location: 1p34.1.
Variant type: single nucleotide variant.
Coding change: c.31-6212A>G on transcript NM_001024845.3 (MANE Select); 6212 bases into the intron before coding-DNA position 31, A replaced by G.
Molecular consequence: intron variant. On other transcripts: missense variant (5), non-coding transcript variant (1).
Genome position (GRCh38, 1-based): chr1:44,017,094, T>C on the plus strand (A>G on the coding strand, the complement: SLC6A9 is on the minus strand). VCF-style: chr1-44017094-T-C. GRCh37 (hg19) VCF-style: chr1-44482766-T-C.
Other names: c.40A>G, p.Arg14Gly (NM_001261380.2, NM_006934.4, NM_201649.4); c.77A>G, p.Gln26Arg (NM_001328627.1, NM_001328628.1); c.-15+7154A>G (NM_001328630.2, NM_001328626.2); c.31-6212A>G (NM_001328629.1); short protein forms Q26R, R14G.
Identifiers: ClinVar variation 2161677 (VCV002161677.4), dbSNP rs770896811, ClinGen allele CA817975.
Genomic context (GRCh38, chr1:44,017,094, plus strand): 5'-GAAGGTGACTGACCTGTTCTGGGGAAGAGGGGGCCACAGGTCCATGAGCCGCGGCCATCC[T>C]GGGGCGAGCGATCGCAGCCCGCGTGTCTCCGCCGCTCATTCACACCTCTGCCAGCTCCAG-3'